The following is an entry in ClinVar:

ClinVar aggregate classification (germline): Uncertain significance (1 of 4 stars; one submission).

Conditions:
Charcot-Marie-Tooth disease axonal type 2O. Also called: Charcot-Marie-Tooth Neuropathy Type 2O; Charcot-Marie-Tooth disease, axonal, type 20; CHARCOT-MARIE-TOOTH NEUROPATHY, AXONAL, TYPE 2O; CHARCOT-MARIE-TOOTH DISEASE, AXONAL, AUTOSOMAL DOMINANT, TYPE 2O. Identifiers: Orphanet 284232, MedGen C3280220, MONDO:0013644, OMIM 614228.

gnomAD v4.1: 1 of 1,613,590 alleles (0.000062%); highest among the groups gnomAD compares: Non-Finnish European, 0.000085%; no homozygotes.

Submission:

Labcorp Genetics (formerly Invitae), Labcorp
Classification: Uncertain significance for Charcot-Marie-Tooth disease axonal type 2O. Last evaluated: 2021-08-01. Review status: criteria provided, single submitter. Criteria: Invitae Variant Classification Sherloc (09022015). Collection method: clinical testing. Allele origin: germline.
Comment: Nucleotide substitutions within the consensus splice site are a relatively common cause of aberrant splicing (PMID: 17576681, 9536098). Algorithms developed to predict the effect of sequence changes on RNA splicing suggest that this variant may create or strengthen a splice site. This variant has not been reported in the literature in individuals affected with DYNC1H1-related conditions. This variant is not present in population databases (ExAC no frequency). This sequence change falls in intron 70 of the DYNC1H1 gene. It does not directly change the encoded amino acid sequence of the DYNC1H1 protein. It affects a nucleotide within the consensus splice site of the intron. In summary, the available evidence is currently insufficient to determine the role of this variant in disease. Therefore, it has been classified as a Variant of Uncertain Significance.

Literature cited by the submitters: PubMed 17576681; PubMed 9536098.

NM_001376.5(DYNC1H1):c.12684+2C>T

Gene: DYNC1H1 (dynein cytoplasmic 1 heavy chain 1; plus strand). Cytogenetic location: 14q32.31.
Variant type: single nucleotide variant.
Coding change: c.12684+2C>T on transcript NM_001376.5 (MANE Select); the canonical splice donor site of the intron after coding-DNA position 12684, C replaced by T.
Molecular consequence: splice donor variant.
Genome position (GRCh38, 1-based): chr14:102,044,047, C>T. VCF-style: chr14-102044047-C-T. GRCh37 (hg19) VCF-style: chr14-102510384-C-T.
Identifiers: ClinVar variation 1371518 (VCV001371518.6), dbSNP rs2152597551, ClinGen allele CA391042732.